The following is an entry in ClinVar:

ClinVar aggregate classification (germline): Likely benign. Review status: criteria provided, single submitter (1 of 4 stars). 2 submissions from 2 submitters: Likely benign (1). 1 of the submissions does not count toward it. Last evaluated 2026-01-15.

Conditions:
FBN3-related disorder. Also called: FBN3-related condition.

Allele frequency attached by ClinVar (database versions not stated): ExAC 0.00105; 1000 Genomes Project 0.00220; 1000 Genomes Project 30x 0.00234; gnomAD 0.00286 and 0.00307; ESP Exome Variant Server 0.00308; TOPMed 0.00309.
gnomAD v4.1: 2,017 of 1,611,980 alleles (0.13%); highest among the groups gnomAD compares: African/African-American, 0.81%; 3 homozygotes.

Submissions (2):

Labcorp Genetics (formerly Invitae), Labcorp
Classification: Likely benign. Last evaluated: 2026-01-15. Review status: criteria provided, single submitter. Criteria: Invitae Variant Classification Sherloc (09022015). Collection method: clinical testing. Allele origin: germline.

PreventionGenetics, part of Exact Sciences
Classification: Benign for FBN3-related condition. Last evaluated: 2019-05-23. Review status: no assertion criteria provided. Collection method: clinical testing. Allele origin: germline. Not counted in ClinVar's aggregate classification.
Comment: This variant is classified as benign based on ACMG/AMP sequence variant interpretation guidelines (Richards et al. 2015 PMID: 25741868, with internal and published modifications).

NM_032447.5(FBN3):c.1112T>C (p.Met371Thr)

Gene: FBN3 (fibrillin 3; minus strand). Cytogenetic location: 19p13.2.
Variant type: single nucleotide variant.
Coding change: c.1112T>C on transcript NM_032447.5 (MANE Select); coding-DNA position 1112, T replaced by C.
Protein change: p.Met371Thr; replaces methionine 371 with threonine.
Molecular consequence: missense variant.
Genome position (GRCh38, 1-based): chr19:8,138,230, A>G on the plus strand (T>C on the coding strand, the complement: FBN3 is on the minus strand). VCF-style: chr19-8138230-A-G. GRCh37 (hg19) VCF-style: chr19-8203114-A-G.
Other names: c.1112T>C, p.Met371Thr (NM_001321431.2); c.1112T>C (NM_001321431.1); short protein forms M371T.
Identifiers: ClinVar variation 709186 (VCV000709186.11), dbSNP rs148024558, ClinGen allele CA9153463.
Genomic context (GRCh38, chr19:8,138,230, plus strand): 5'-GGGATCCCACGCGCATCAGAGCCATGGGGGTTGAGTCGCGCTGGCCCAAGAGGGGGACCC[A>G]TGCCATTGGATCCGAAGCCCAGGAGGCCAGGGAAGAGGCCAGGGTGGCCGGGTAGCAGCG-3'
Protein context (NP_115823.3, residues 361-381): PGLLGFGSNG[Met371Thr]GPPLGPARLN